The following is an entry in ClinVar:

ClinVar aggregate classification (germline): Likely benign (0 of 4 stars; one submission).

Conditions:
PTPN12-related disorder. Also called: PTPN12-related condition.

gnomAD v4.1: 25 of 1,611,506 alleles (0.0016%); highest among the groups gnomAD compares: South Asian, 0.021%; no homozygotes.

Submission:

PreventionGenetics, part of Exact Sciences
Classification: Likely benign for PTPN12-related condition. Last evaluated: 2019-08-20. Review status: no assertion criteria provided. Collection method: clinical testing. Allele origin: germline.
Comment: This variant is classified as likely benign based on ACMG/AMP sequence variant interpretation guidelines (Richards et al. 2015 PMID: 25741868, with internal and published modifications).

NM_002835.4(PTPN12):c.1071G>A (p.Pro357=)

Gene: PTPN12 (protein tyrosine phosphatase non-receptor type 12; plus strand). Cytogenetic location: 7q11.23.
Variant type: single nucleotide variant.
Coding change: c.1071G>A on transcript NM_002835.4 (MANE Select); coding-DNA position 1071, G replaced by A.
Protein change: p.Pro357=; no amino-acid change (proline 357 retained).
Molecular consequence: synonymous variant.
Genome position (GRCh38, 1-based): chr7:77,626,750, G>A. VCF-style: chr7-77626750-G-A. GRCh37 (hg19) VCF-style: chr7-77256067-G-A.
Other names: c.714G>A, p.Pro238= (NM_001131008.2); c.681G>A, p.Pro227= (NM_001131009.2).
Identifiers: ClinVar variation 3357343 (VCV003357343.1).